The following is an entry in ClinVar:

ClinVar aggregate classification (germline): Likely pathogenic (1 of 4 stars; one submission).

Conditions:
Basal cell nevus syndrome 1 (BCNS1). Also called: GORLIN-GOLTZ SYNDROME; MULTIPLE BASAL CELL NEVI, ODONTOGENIC KERATOCYSTS, AND SKELETAL ANOMALIES. Identifiers: MedGen CN376810, MONDO:0958174, OMIM 109400.

Submission:

Victorian Clinical Genetics Services, Murdoch Childrens Research Institute
Classification: Likely pathogenic for Basal cell nevus syndrome 1. Last evaluated: 2026-01-07. Review status: criteria provided, single submitter. Criteria: ACMG Guidelines, 2015. Collection method: clinical testing. Allele origin: germline.
Comment: This variant is classified as Likely pathogenic. Evidence in support of pathogenic classification: Splice site variant proven to affect splicing of the transcript with a known effect on protein sequence. RNA studies have shown this variant results in whole exon skipping of exon 19, leading to an in-frame deletion of 46 amino acids (PMID: 9654212); Variant is absent from gnomAD (v2, v3 and v4); This variant has limited previous evidence of pathogenicity in an unrelated individual(s). This variant has been reported in the literature in an individual with naevoid basal cell carcinoma syndrome (PMID: 9654212); Other canonical splice site variants comparable to the one identified in this case have moderate previous evidence for pathogenicity. c.3169-2A>C has been reported in the literature in an individual with naevoid basal cell carcinoma syndrome (PMID: 30411536). In addition, c.3169-1G>A has been classified as likely pathogenic by clinical laboratories in ClinVar; Abnormal splicing is predicted by in silico tool and affected nucleotide is highly conserved. Additional information: This gene is associated with autosomal dominant disease; Loss of function is a known mechanism of disease in this gene and is associated with basal cell naevus syndrome 1 (MIM#109400). The mechanism of holoprosencephaly 7 (MIM#610828) is unclear, but gain of function has been suggested (PMID: 18830227); Variants in this gene are known to have variable expressivity (OMIM, PMID: 30411536).

Literature cited by the submitters: PubMed 9654212; PubMed 18830227; PubMed 30411536.

NM_000264.5(PTCH1):c.3169-2A>G

Gene: PTCH1 (patched 1; minus strand). Cytogenetic location: 9q22.32.
Variant type: single nucleotide variant.
Coding change: c.3169-2A>G on transcript NM_000264.5 (MANE Select); the canonical splice acceptor site of the intron before coding-DNA position 3169, A replaced by G.
Molecular consequence: splice acceptor variant.
Genome position (GRCh38, 1-based): chr9:95,456,415, T>C on the plus strand (A>G on the coding strand, the complement: PTCH1 is on the minus strand). VCF-style: chr9-95456415-T-C. GRCh37 (hg19) VCF-style: chr9-98218697-T-C.
Other names: c.3166-2A>G (NM_001083603.3); c.2971-2A>G (NM_001083602.3); c.3013-2A>G (NM_001354918.2); c.2716-2A>G (NM_001083605.3, NM_001083604.3, NM_001083606.3 and 1 more transcripts).
Identifiers: ClinVar variation 4819037 (VCV004819037.1).